The following is an entry in ClinVar:

NM_001042750.2(STAG2):c.166G>A (p.Gly56Ser)

Gene: STAG2 (STAG2 cohesin complex component; plus strand). Cytogenetic location: Xq25.
Variant type: single nucleotide variant.
Coding change: c.166G>A on transcript NM_001042750.2 (MANE Select); coding-DNA position 166, G replaced by A.
Protein change: p.Gly56Ser; replaces glycine 56 with serine.
Molecular consequence: missense variant.
Genome position (GRCh38, 1-based): chrX:124,031,003, G>A. VCF-style: chrX-124031003-G-A. GRCh37 (hg19) VCF-style: chrX-123164853-G-A.
Other names: c.166G>A, p.Gly56Ser (NM_001042749.2, NM_001042751.2, NM_001282418.2 and 13 more transcripts); short protein forms G56S.
Identifiers: ClinVar variation 2663029 (VCV002663029.1), dbSNP rs761786663, ClinGen allele CA335276893.

ClinVar aggregate classification (germline): Uncertain significance (1 of 4 stars; one submission).

Allele frequency attached by ClinVar (database versions not stated): 1000 Genomes Project 30x 0.00021; 1000 Genomes Project 0.00026.

Submission:

GeneDx
Classification: Uncertain significance. Last evaluated: 2023-04-20. Review status: criteria provided, single submitter. Criteria: GeneDx Variant Classification Process June 2021. Collection method: clinical testing. Allele origin: germline. Affected: yes.
Comment: Not observed at significant frequency in large population cohorts (gnomAD); In silico analysis supports that this missense variant has a deleterious effect on protein structure/function; Has not been previously published as pathogenic or benign to our knowledge